The following is an entry in ClinVar:

ClinVar aggregate classification (germline): Conflicting classifications of pathogenicity. Review status: criteria provided, conflicting classifications (1 of 4 stars). 3 submissions from 3 submitters: Pathogenic (1); Uncertain significance (2). Last evaluated 2024-04-04.

Conditions:
Desmin-related myofibrillar myopathy (MFM1). Also called: Desmin related myopathy (former name); Desmin storage myopathy (former name); Myofibrillar myopathy 1; MYOFIBRILLAR MYOPATHY WITH ARRHYTHMOGENIC RIGHT VENTRICULAR CARDIOMYOPATHY; DESMIN-RELATED MYOPATHY WITH ARRHYTHMOGENIC RIGHT VENTRICULAR CARDIOMYOPATHY; Desminopathy. Identifiers: Orphanet 363543, Orphanet 98909, MedGen C1832370, MONDO:0011076, OMIM 601419.

Submissions (3):

Revvity Omics, Revvity
Classification: Uncertain significance. Last evaluated: 2024-04-04. Review status: criteria provided, single submitter. Criteria: ACMG Guidelines, 2015. Collection method: clinical testing. Allele origin: germline.

Labcorp Genetics (formerly Invitae), Labcorp
Classification: Pathogenic for Desmin-related myofibrillar myopathy. Last evaluated: 2023-10-06. Review status: criteria provided, single submitter. Criteria: Invitae Variant Classification Sherloc (09022015). Collection method: clinical testing. Allele origin: germline.
Comment: This sequence change replaces proline, which is neutral and non-polar, with leucine, which is neutral and non-polar, at codon 419 of the DES protein (p.Pro419Leu). This variant is not present in population databases (gnomAD no frequency). This missense change has been observed in individual(s) with myofibrillar myopathy (PMID: 33041974). In at least one individual the variant was observed to be de novo. It has also been observed to segregate with disease in related individuals. ClinVar contains an entry for this variant (Variation ID: 287812). Advanced modeling of protein sequence and biophysical properties (such as structural, functional, and spatial information, amino acid conservation, physicochemical variation, residue mobility, and thermodynamic stability) has been performed at Invitae for this missense variant, however the output from this modeling did not meet the statistical confidence thresholds required to predict the impact of this variant on DES protein function. This variant disrupts the p.Pro419 amino acid residue in DES. Other variant(s) that disrupt this residue have been determined to be pathogenic (PMID: 17418574, 22153487, 22395865, 23639843, 26431784). This suggests that this residue is clinically significant, and that variants that disrupt this residue are likely to be disease-causing. For these reasons, this variant has been classified as Pathogenic.

Eurofins Ntd Llc (ga)
Classification: Uncertain significance. Last evaluated: 2016-05-02. Review status: criteria provided, single submitter. Criteria: EGL Classification Definitions 2015. Collection method: clinical testing. Allele origin: germline. Observed: 1 variant allele, 1 heterozygote.

Literature cited by the submitters: PubMed 33041974 (cited by Labcorp Genetics (formerly Invitae), Labcorp); PubMed 17418574 (cited by Labcorp Genetics (formerly Invitae), Labcorp); PubMed 22153487 (cited by Labcorp Genetics (formerly Invitae), Labcorp); PubMed 22395865 (cited by Labcorp Genetics (formerly Invitae), Labcorp); PubMed 23639843 (cited by Labcorp Genetics (formerly Invitae), Labcorp); PubMed 26431784 (cited by Labcorp Genetics (formerly Invitae), Labcorp).

NM_001927.4(DES):c.1256C>T (p.Pro419Leu)

Gene: DES (desmin; plus strand). Cytogenetic location: 2q35.
Variant type: single nucleotide variant.
Coding change: c.1256C>T on transcript NM_001927.4 (MANE Select); coding-DNA position 1256, C replaced by T.
Protein change: p.Pro419Leu; replaces proline 419 with leucine.
Molecular consequence: missense variant.
Genome position (GRCh38, 1-based): chr2:219,423,788, C>T. VCF-style: chr2-219423788-C-T. GRCh37 (hg19) VCF-style: chr2-220288510-C-T.
Other names: short protein forms P419L.
Identifiers: ClinVar variation 287812 (VCV000287812.9), dbSNP rs796667045, ClinGen allele CA10605881.